The following is an entry in ClinVar:

ClinVar aggregate classification (germline): Uncertain significance (1 of 4 stars; one submission).

Conditions:
Early Myoclonic Encephalopathy. Identifiers: MedGen C0270855.

Allele frequency attached by ClinVar (database versions not stated): TOPMed 0.00001; gnomAD exomes 0.00002.
gnomAD v4.1: 16 of 1,614,120 alleles (0.00099%); highest among the groups gnomAD compares: Middle Eastern, 0.016%; no homozygotes.

Submission:

Labcorp Genetics (formerly Invitae), Labcorp
Classification: Uncertain significance for Early Myoclonic Encephalopathy. Last evaluated: 2024-08-11. Review status: criteria provided, single submitter. Criteria: Invitae Variant Classification Sherloc (09022015). Collection method: clinical testing. Allele origin: germline.
Comment: This sequence change replaces asparagine, which is neutral and polar, with aspartic acid, which is acidic and polar, at codon 1422 of the JMJD1C protein (p.Asn1422Asp). This variant is not present in population databases (gnomAD no frequency). This variant has not been reported in the literature in individuals affected with JMJD1C-related conditions. ClinVar contains an entry for this variant (Variation ID: 1004649). Advanced modeling of protein sequence and biophysical properties (such as structural, functional, and spatial information, amino acid conservation, physicochemical variation, residue mobility, and thermodynamic stability) performed at Invitae indicates that this missense variant is not expected to disrupt JMJD1C protein function with a negative predictive value of 80%. In summary, the available evidence is currently insufficient to determine the role of this variant in disease. Therefore, it has been classified as a Variant of Uncertain Significance.

NM_032776.3(JMJD1C):c.4264A>G (p.Asn1422Asp)

Gene: JMJD1C (jumonji domain containing 1C; minus strand). Cytogenetic location: 10q21.3.
Variant type: single nucleotide variant.
Coding change: c.4264A>G on transcript NM_032776.3 (MANE Select); coding-DNA position 4264, A replaced by G.
Protein change: p.Asn1422Asp; replaces asparagine 1422 with aspartic acid.
Molecular consequence: missense variant. On other transcripts: non-coding transcript variant (1).
Genome position (GRCh38, 1-based): chr10:63,207,405, T>C on the plus strand (A>G on the coding strand, the complement: JMJD1C is on the minus strand). VCF-style: chr10-63207405-T-C. GRCh37 (hg19) VCF-style: chr10-64967165-T-C.
Other names: c.3718A>G, p.Asn1240Asp (NM_001282948.2, NM_001318154.2); c.3400A>G, p.Asn1134Asp (NM_001318153.2); c.4150A>G, p.Asn1384Asp (NM_001322252.2); c.3607A>G, p.Asn1203Asp (NM_001322254.2, NM_001322258.2); short protein forms N1134D, N1203D, N1240D, N1384D, N1422D.
Identifiers: ClinVar variation 1004649 (VCV001004649.6), dbSNP rs1846763038, ClinGen allele CA377038156.
Genomic context (GRCh38, chr10:63,207,405, plus strand): 5'-CTGGCTGACTGACACTTTTTGAAGATACACATTCTGATGATGTAGAGGCCAAAATGGTAT[T>C]TGATAAAGAGGAAATTACTTCTGAACCACCCCAGCTGGAAACACTGGTAGTATCGGCAGC-3'
Protein context (NP_116165.1, residues 1412-1432): GGSEVISSLS[Asn1422Asp]TILASTSSEC